The following is an entry in ClinVar:

ClinVar aggregate classification (germline): Uncertain significance. Review status: criteria provided, multiple submitters, no conflicts (2 of 4 stars). 2 submissions from 2 submitters: Uncertain significance (2). Last evaluated 2024-03-06.

Conditions:
Cardiomyopathy (CMYO). Also called: Cardiomyopathies. Identifiers: Orphanet 167848, MedGen C0878544, MONDO:0004994, HP:0001638. Inheritance: Various modes of inheritance.
Cardiovascular phenotype. Identifiers: MedGen CN230736.

gnomAD v4.1: 3 of 1,614,224 alleles (0.00019%); highest among the groups gnomAD compares: African/African-American, 0.0013%; no homozygotes.

Submissions (2):

Color Diagnostics, LLC DBA Color Health
Classification: Uncertain significance for Cardiomyopathy. Last evaluated: 2024-03-06. Review status: criteria provided, single submitter. Criteria: ACMG Guidelines, 2015. Collection method: clinical testing. Allele origin: germline.
Comment: This missense variant replaces serine with asparagine at codon 104 of the DSP protein. Computational prediction suggests that this variant may not impact protein structure and function (internally defined REVEL score threshold <= 0.5, PMID: 27666373). To our knowledge, functional studies have not been reported for this variant. This variant has not been reported in individuals affected with DSP-related disorders in the literature. This variant has not been identified in the general population by the Genome Aggregation Database (gnomAD). The available evidence is insufficient to determine the role of this variant in disease conclusively. Therefore, this variant is classified as a Variant of Uncertain Significance.

Ambry Genetics
Classification: Uncertain significance for Cardiovascular phenotype. Last evaluated: 2024-02-25. Review status: criteria provided, single submitter. Criteria: Ambry Variant Classification Scheme 2023. Collection method: clinical testing. Allele origin: germline.
Comment: The p.S104N variant (also known as c.311G>A), located in coding exon 3 of the DSP gene, results from a G to A substitution at nucleotide position 311. The serine at codon 104 is replaced by asparagine, an amino acid with highly similar properties. This amino acid position is conserved. In addition, this alteration is predicted to be tolerated by in silico analysis. Based on the available evidence, the clinical significance of this alteration remains unclear.

NM_004415.4(DSP):c.311G>A (p.Ser104Asn)

Gene: DSP (desmoplakin; plus strand). Cytogenetic location: 6p24.3.
Variant type: single nucleotide variant.
Coding change: c.311G>A on transcript NM_004415.4 (MANE Select); coding-DNA position 311, G replaced by A.
Protein change: p.Ser104Asn; replaces serine 104 with asparagine.
Molecular consequence: missense variant.
Genome position (GRCh38, 1-based): chr6:7,558,153, G>A. VCF-style: chr6-7558153-G-A. GRCh37 (hg19) VCF-style: chr6-7558386-G-A.
Other names: c.311G>A, p.Ser104Asn (NM_001008844.3, NM_001319034.2, NM_001406591.1); short protein forms S104N.
Identifiers: ClinVar variation 2775259 (VCV002775259.3), dbSNP rs2533849058, ClinGen allele CA362671170.